The following is an entry in ClinVar:

NM_004260.4(RECQL4):c.1619A>G (p.Gln540Arg)

Gene: RECQL4 (RecQ like helicase 4; minus strand). Cytogenetic location: 8q24.3.
Variant type: single nucleotide variant.
Coding change: c.1619A>G on transcript NM_004260.4 (MANE Select); coding-DNA position 1619, A replaced by G.
Protein change: p.Gln540Arg; replaces glutamine 540 with arginine.
Molecular consequence: missense variant.
Genome position (GRCh38, 1-based): chr8:144,514,937, T>C on the plus strand (A>G on the coding strand, the complement: RECQL4 is on the minus strand). VCF-style: chr8-144514937-T-C. GRCh37 (hg19) VCF-style: chr8-145740321-T-C.
Other names: short protein forms Q540R.
Identifiers: ClinVar variation 851476 (VCV000851476.4), dbSNP rs754788555, ClinGen allele CA4948781.
Genomic context (GRCh38, chr8:144,514,937, plus strand): 5'-GGGAGTCACAAGTGCTGGTTCTTGGCTGTGTACGTGTGCCCAGGGCCCTGTGTGCACACC[T>C]GGTCATCCATGAGTGACAGCAGGGGAGAGACGACCAACGTGAGGCAGGGGCTGCGCCGGC-3'
Protein context (NP_004251.4, residues 530-550): VSPLLSLMDD[Gln540Arg]VSGLPPCLKA

ClinVar aggregate classification (germline): Uncertain significance. Review status: criteria provided, multiple submitters, no conflicts (2 of 4 stars). 2 submissions from 2 submitters: Uncertain significance (2). Last evaluated 2025-04-07.

Conditions:
Inborn genetic diseases. Identifiers: MedGen C0950123, MeSH D030342.
Baller-Gerold syndrome (BGS). Also called: CRANIOSYNOSTOSIS WITH RADIAL DEFECTS. Identifiers: Orphanet 1225, MedGen C0265308, MONDO:0009039, OMIM 218600.

Allele frequency attached by ClinVar (database versions not stated): ExAC 0.00001.
gnomAD v4.1: 1 of 1,611,174 alleles (0.000062%); highest among the groups gnomAD compares: Admixed American, 0.0017%; no homozygotes.

Submissions (2):

Ambry Genetics
Classification: Uncertain significance for Inborn genetic diseases. Last evaluated: 2025-04-07. Review status: criteria provided, single submitter. Criteria: Ambry Variant Classification Scheme 2023. Collection method: clinical testing. Allele origin: germline.
Comment: The p.Q540R variant (also known as c.1619A>G), located in coding exon 9 of the RECQL4 gene, results from an A to G substitution at nucleotide position 1619. The glutamine at codon 540 is replaced by arginine, an amino acid with highly similar properties. This amino acid position is conserved. In addition, this alteration is predicted to be deleterious by in silico analysis. Based on the available evidence, the clinical significance of this variant remains unclear.

Labcorp Genetics (formerly Invitae), Labcorp
Classification: Uncertain significance for Baller-Gerold syndrome. Last evaluated: 2020-12-09. Review status: criteria provided, single submitter. Criteria: Invitae Variant Classification Sherloc (09022015). Collection method: clinical testing. Allele origin: germline.
Comment: In summary, the available evidence is currently insufficient to determine the role of this variant in disease. Therefore, it has been classified as a Variant of Uncertain Significance. Algorithms developed to predict the effect of missense changes on protein structure and function are either unavailable or do not agree on the potential impact of this missense change (SIFT: "Deleterious"; PolyPhen-2: "Not Available"; Align-GVGD: "Class C35"). This variant has not been reported in the literature in individuals with RECQL4-related conditions. This variant is present in population databases (rs754788555, ExAC 0.01%). This sequence change replaces glutamine with arginine at codon 540 of the RECQL4 protein (p.Gln540Arg). The Glutamine residue is highly conserved and there is a small physicochemical difference between glutamine and arginine .